The following is an entry in ClinVar:

ClinVar aggregate classification (germline): Uncertain significance. Review status: criteria provided, multiple submitters, no conflicts (2 of 4 stars). 2 submissions from 2 submitters: Uncertain significance (2). Last evaluated 2025-03-09.

Conditions:
Familial thoracic aortic aneurysm and aortic dissection (TAAD). Also called: Thoracic aortic aneurysms and dissections. Identifiers: Orphanet 91387, MedGen C4707243, MONDO:0019625.

Allele frequency attached by ClinVar (database versions not stated): gnomAD exomes below 0.00001.
gnomAD v4.1: 2 of 1,614,022 alleles (0.00012%); highest among the groups gnomAD compares: Non-Finnish European, 0.000085%; no homozygotes.

Submissions (2):

GeneDx
Classification: Uncertain significance. Last evaluated: 2025-03-09. Review status: criteria provided, single submitter. Criteria: GeneDx Variant Classification Process June 2021. Collection method: clinical testing. Allele origin: germline. Affected: yes.
Comment: Has not been previously published as pathogenic or benign to our knowledge; Not observed at significant frequency in large population cohorts (gnomAD); In silico analysis indicates that this missense variant does not alter protein structure/function; Does not affect a cysteine or calcium-binding residue within an EGF-like domain or a TGF-binding protein domain of the FBN1 gene; cysteine substitutions in the EGF-like domains represent the majority of pathogenic missense changes associated with FBN1-related disorders (PMID: 12938084); This variant is associated with the following publications: (PMID: 12938084, 26582918)

Color Diagnostics, LLC DBA Color Health
Classification: Uncertain significance for Familial thoracic aortic aneurysm and aortic dissection. Last evaluated: 2023-12-05. Review status: criteria provided, single submitter. Criteria: ACMG Guidelines, 2015. Collection method: clinical testing. Allele origin: germline.
Comment: This missense variant replaces alanine with serine at codon 162 of the FBN1 protein. Computational prediction tools and conservation analyses are inconclusive regarding the impact of this variant on the protein function. Computational splicing tools suggest that this variant may not impact RNA splicing. To our knowledge, functional assays have not been performed for this variant nor has this variant been reported in individuals affected with cardiovascular disorders in the literature. This variant has been identified in 1/251390 chromosomes in the general population by the Genome Aggregation Database (gnomAD). Available evidence is insufficient to determine the role of this variant in disease conclusively. Therefore, this variant is classified as a Variant of Uncertain Significance.

NM_000138.5(FBN1):c.484G>T (p.Ala162Ser)

Gene: FBN1 (fibrillin 1; minus strand). Cytogenetic location: 15q21.1.
Variant type: single nucleotide variant.
Coding change: c.484G>T on transcript NM_000138.5 (MANE Select); coding-DNA position 484, G replaced by T.
Protein change: p.Ala162Ser; replaces alanine 162 with serine.
Molecular consequence: missense variant.
Genome position (GRCh38, 1-based): chr15:48,596,337, C>A on the plus strand (G>T on the coding strand, the complement: FBN1 is on the minus strand). VCF-style: chr15-48596337-C-A. GRCh37 (hg19) VCF-style: chr15-48888534-C-A.
Other names: short protein forms A162S.
Identifiers: ClinVar variation 928043 (VCV000928043.8), dbSNP rs193922210, ClinGen allele CA392446332.
Genomic context (GRCh38, chr15:48,596,337, plus strand): 5'-CATTACCTCTTTCACACTGGGGTCCAGTAAATCCGTAAGTGCATGCACATCGATTTGGGG[C>A]CACACACCTTCCTCCATTGAGACAGCCACTTTCACAAACAGCTGTAAAATAAGGAGAGAG-3'
Protein context (NP_000129.3, residues 152-172): SGCLNGGRCV[Ala162Ser]PNRCACTYGF